The following is an entry in ClinVar:

ClinVar aggregate classification (germline): Benign. Review status: criteria provided, multiple submitters, no conflicts (2 of 4 stars). 5 submissions from 5 submitters: Benign (3). 2 of the submissions do not count toward it. Last evaluated 2026-02-01.

Conditions:
Autosomal recessive ataxia, Beauce type. Also called: Spinocerebellar ataxia, autosomal recessive 8; ATAXIA, RECESSIVE, OF BEAUCE; SYNE1-Related Autosomal Recessive Cerebellar Ataxia; SYNE1 Deficiency. Identifiers: Orphanet 88644, MedGen C1853116, MONDO:0012549, OMIM 610743.
Emery-Dreifuss muscular dystrophy 4, autosomal dominant (EDMD4). Also called: EMERY-DREIFUSS MUSCULAR DYSTROPHY 4 WITH VARIABLE FEATURES. Identifiers: Orphanet 261, MedGen C2751807, MONDO:0013071, OMIM 612998.

Allele frequency attached by ClinVar (database versions not stated): gnomAD 0.05731 and 0.06058; ESP Exome Variant Server 0.06120; TOPMed 0.06341; gnomAD exomes 0.06798; ExAC 0.07033; 1000 Genomes Project 30x 0.07433; 1000 Genomes Project 0.07648.
gnomAD v4.1: 103,696 of 1,612,740 alleles (6.4%); highest among the groups gnomAD compares: East Asian, 14%; 3,916 homozygotes.

Submissions (10):

Labcorp Genetics (formerly Invitae), Labcorp
Classification: Benign for Emery-Dreifuss muscular dystrophy 4, autosomal dominant; Autosomal recessive ataxia, Beauce type. Last evaluated: 2026-02-01. Review status: criteria provided, single submitter. Criteria: Invitae Variant Classification Sherloc (09022015). Collection method: clinical testing. Allele origin: germline.

GeneDx
Classification: Benign. Last evaluated: 2016-01-29. Review status: criteria provided, single submitter. Criteria: GeneDx Variant Classification (06012015). Collection method: clinical testing. Allele origin: germline. Affected: yes.
Comment: This variant is considered likely benign or benign based on one or more of the following criteria: it is a conservative change, it occurs at a poorly conserved position in the protein, it is predicted to be benign by multiple in silico algorithms, and/or has population frequency not consistent with disease.

PreventionGenetics, part of Exact Sciences
Classification: Benign. Review status: criteria provided, single submitter. Criteria: ACMG Guidelines, 2015. Collection method: clinical testing. Allele origin: germline.

Clinical Genetics DNA and cytogenetics Diagnostics Lab, Erasmus MC, Erasmus Medical Center
Classification: Benign. Review status: no assertion criteria provided. Collection method: clinical testing. Allele origin: germline. Affected: yes. Study: VKGL Data-share Consensus. Not counted in ClinVar's aggregate classification.

Clinical Genetics, Academic Medical Center
Classification: Likely benign. Review status: no assertion criteria provided. Collection method: clinical testing. Allele origin: germline. Affected: yes. Study: VKGL Data-share Consensus. Not counted in ClinVar's aggregate classification.

Dr. Peter K. Rogan Lab, Western University
No classification provided (evidence only). Condition: Malignant lymphoma, large B-cell, diffuse. Review status: no classification provided. Collection method: in vitro. Allele origin: not applicable. Functional consequence: retained intron. Not counted in ClinVar's aggregate classification.

Dr. Peter K. Rogan Lab, Western University
No classification provided (evidence only). Condition: Hepatocellular carcinoma. Review status: no classification provided. Collection method: in vitro. Allele origin: not applicable. Functional consequence: retained intron. Not counted in ClinVar's aggregate classification.

Dr. Peter K. Rogan Lab, Western University
No classification provided (evidence only). Condition: Thymoma. Review status: no classification provided. Collection method: in vitro. Allele origin: not applicable. Functional consequence: retained intron. Not counted in ClinVar's aggregate classification.

Dr. Peter K. Rogan Lab, Western University
No classification provided (evidence only). Condition: Cholangiocarcinoma. Review status: no classification provided. Collection method: in vitro. Allele origin: not applicable. Functional consequence: retained intron. Not counted in ClinVar's aggregate classification.

Dr. Peter K. Rogan Lab, Western University
No classification provided (evidence only). Condition: Uveal melanoma. Review status: no classification provided. Collection method: in vitro. Allele origin: not applicable. Functional consequence: retained intron. Not counted in ClinVar's aggregate classification.

NM_182961.4(SYNE1):c.19104+17A>G

Gene: SYNE1 (spectrin repeat containing nuclear envelope protein 1; minus strand). Cytogenetic location: 6q25.2.
Variant type: single nucleotide variant.
Coding change: c.19104+17A>G on transcript NM_182961.4 (MANE Select); 17 bases into the intron after coding-DNA position 19104, A replaced by G.
Molecular consequence: intron variant.
Genome position (GRCh38, 1-based): chr6:152,256,617, T>C on the plus strand (A>G on the coding strand, the complement: SYNE1 is on the minus strand). VCF-style: chr6-152256617-T-C. GRCh37 (hg19) VCF-style: chr6-152577752-T-C.
Other names: c.18891+17A>G (NM_033071.5).
Identifiers: ClinVar variation 262175 (VCV000262175.14), dbSNP rs17082389, ClinGen allele CA4054775.